The following is an entry in ClinVar:

NM_000384.3(APOB):c.451A>G (p.Thr151Ala)

Gene: APOB (apolipoprotein B; minus strand). Cytogenetic location: 2p24.1.
Variant type: single nucleotide variant.
Coding change: c.451A>G on transcript NM_000384.3 (MANE Select); coding-DNA position 451, A replaced by G.
Protein change: p.Thr151Ala; replaces threonine 151 with alanine.
Molecular consequence: missense variant.
Genome position (GRCh38, 1-based): chr2:21,038,044, T>C on the plus strand (A>G on the coding strand, the complement: APOB is on the minus strand). VCF-style: chr2-21038044-T-C. GRCh37 (hg19) VCF-style: chr2-21260916-T-C.
Other names: short protein forms T151A.
Identifiers: ClinVar variation 5009072 (VCV005009072.1).
Genomic context (GRCh38, chr2:21,038,044, plus strand): 5'-CTGTCTCTGGGGGAACCAGGAGGGCAGAAATGATGCCCCTCTTGATGTTCAGGATGTAAG[T>C]AGGTTCATCTTTCTCCGGGTAAAGGAAAACCTGCTTCCCTTCTGGAATGGCCAGCTTGAG-3'
Protein context (NP_000375.3, residues 141-161): VFLYPEKDEP[Thr151Ala]YILNIKRGII

ClinVar aggregate classification (germline): Uncertain significance (1 of 4 stars; one submission).

Submission:

GeneDx
Classification: Uncertain significance. Last evaluated: 2026-03-11. Review status: criteria provided, single submitter. Criteria: GeneDx Variant Classification Process June 2021. Collection method: clinical testing. Allele origin: germline.
Comment: Not observed at significant frequency in large population cohorts (gnomAD); In silico analysis suggests that this missense variant does not alter protein structure/function; Has not been previously published as pathogenic or benign to our knowledge